The following is an entry in ClinVar:

ClinVar aggregate classification (germline): Likely pathogenic (1 of 4 stars; one submission).

Conditions:
Glycogen storage disease type III (GSD3). Also called: FORBES DISEASE; Cori disease. Identifiers: Orphanet 366, MedGen C0017922, MONDO:0009291, OMIM 232400.

Submission:

Natera, Inc.
Classification: Likely pathogenic for Glycogen storage disease type III. Last evaluated: 2025-12-15. Review status: criteria provided, single submitter. Criteria: Natera Variant Classification Schema (03/2026). Collection method: clinical testing. Allele origin: germline.
Comment: The c.3968_3969insT variant in AGL is a frameshift variant predicted to shift the reading frame beginning at codon 1324 and leads to a stop codon 2 codons downstream. This variant is expected to result in nonsense mediated decay, truncation, or a dysfunctional protein product. This variant is rare in the general population with a frequency below the threshold expected for the associated phenotype(s). Given the available evidence, this variant is classified as Likely Pathogenic.

NM_000642.3(AGL):c.3968_3969insT (p.Tyr1324fs)

Gene: AGL (amylo-alpha-1,6-glucosidase and 4-alpha-glucanotransferase; plus strand). Cytogenetic location: 1p21.2.
Variant type: Insertion.
Coding change: c.3968_3969insT on transcript NM_000642.3 (MANE Select); coding-DNA positions 3968 to 3969, T inserted.
Protein change: p.Tyr1324fs; shifts the reading frame from tyrosine 1324.
Molecular consequence: frameshift variant.
Genome position: GRCh38 VCF-style: chr1-99913545-C-CT. GRCh37 (hg19) VCF-style: chr1-100379101-C-CT.
Other names: c.3590_3591insT, p.Tyr1198fs (NM_001425332.1); c.3968_3969insT, p.Tyr1324fs (NM_000028.3, NM_000643.3, NM_000644.3 and 1 more transcripts); c.3920_3921insT, p.Tyr1308fs (NM_000646.3); c.3947_3948insT, p.Tyr1317fs (NM_001425326.1); c.3767_3768insT, p.Tyr1257fs (NM_001425327.1); c.3764_3765insT, p.Tyr1256fs (NM_001425328.1); c.3629_3630insT, p.Tyr1211fs (NM_001425329.1); short protein forms Y1198fs, Y1211fs, Y1256fs, Y1257fs, Y1308fs, Y1317fs, Y1324fs.
Identifiers: ClinVar variation 4814452 (VCV004814452.1).